The following is an entry in ClinVar:

ClinVar aggregate classification (germline): Benign. Review status: criteria provided, multiple submitters, no conflicts (2 of 4 stars). 5 submissions from 5 submitters: Benign (5). Last evaluated 2026-02-01.

Allele frequency attached by ClinVar (database versions not stated): gnomAD exomes 0.01465; ExAC 0.01642; gnomAD 0.03093 and 0.03314; 1000 Genomes Project 0.03095; 1000 Genomes Project 30x 0.03232; ESP Exome Variant Server 0.03394; TOPMed 0.03594.
gnomAD v4.1: 22,313 of 1,537,788 alleles (1.5%); highest among the groups gnomAD compares: African/African-American, 8.3%; 420 homozygotes.

Submissions (5):

Labcorp Genetics (formerly Invitae), Labcorp
Classification: Benign. Last evaluated: 2026-02-01. Review status: criteria provided, single submitter. Criteria: Invitae Variant Classification Sherloc (09022015). Collection method: clinical testing. Allele origin: germline.

Mayo Clinic Laboratories, Mayo Clinic
Classification: Benign. Last evaluated: 2021-04-09. Review status: criteria provided, single submitter. Criteria: ACMG Guidelines, 2015. Collection method: clinical testing. Allele origin: germline. Observed: 4 variant alleles.

Athena Diagnostics
Classification: Benign. Last evaluated: 2019-03-30. Review status: criteria provided, single submitter. Criteria: Athena Diagnostics Criteria. Collection method: clinical testing. Allele origin: germline.

GeneDx
Classification: Benign. Last evaluated: 2017-08-25. Review status: criteria provided, single submitter. Criteria: GeneDx Variant Classification (06012015). Collection method: clinical testing. Allele origin: germline. Affected: yes.
Comment: This variant is considered likely benign or benign based on one or more of the following criteria: it is a conservative change, it occurs at a poorly conserved position in the protein, it is predicted to be benign by multiple in silico algorithms, and/or has population frequency not consistent with disease.

Laboratory for Molecular Medicine, Mass General Brigham Personalized Medicine
Classification: Benign. Last evaluated: 2017-08-23. Review status: criteria provided, single submitter. Criteria: LMM Criteria. Collection method: clinical testing. Allele origin: germline. Observed: 8 variant alleles.
Comment: p.Glu424Lys in exon 14 of FAM65B: This variant is not expected to have clinical significance because it has been identified in 9.36% (834/8906) of African chrom osomes by the Exome Aggregation Consortium (ExAC ; dbSNP rs34016544).

NM_001286445.3(RIPOR2):c.1207G>A (p.Glu403Lys)

Gene: RIPOR2 (RHO family interacting cell polarization regulator 2; minus strand). Cytogenetic location: 6p22.3.
Variant type: single nucleotide variant.
Coding change: c.1207G>A on transcript NM_001286445.3 (MANE Select); coding-DNA position 1207, G replaced by A.
Protein change: p.Glu403Lys; replaces glutamic acid 403 with lysine.
Molecular consequence: missense variant.
Genome position (GRCh38, 1-based): chr6:24,843,512, C>T on the plus strand (G>A on the coding strand, the complement: RIPOR2 is on the minus strand). VCF-style: chr6-24843512-C-T. GRCh37 (hg19) VCF-style: chr6-24843740-C-T.
Other names: c.1222G>A, p.Glu408Lys (NM_001286446.3); c.1120G>A, p.Glu374Lys (NM_001286447.2, NM_001346031.2, NM_001346032.2 and 1 more transcripts); c.1270G>A, p.Glu424Lys (NM_014722.5); short protein forms E424K, E374K, E408K, E403K.
Identifiers: ClinVar variation 508151 (VCV000508151.15), dbSNP rs34016544, ClinGen allele CA3659283.